The following is an entry in ClinVar:

ClinVar aggregate classification (germline): Benign/Likely benign. Review status: criteria provided, multiple submitters, no conflicts (2 of 4 stars). 10 submissions from 9 submitters: Benign (3); Likely benign (7). Last evaluated 2026-09-01.

Conditions:
Hereditary cancer-predisposing syndrome. Also called: Hereditary neoplastic syndrome; Tumor predisposition; Neoplastic Syndromes, Hereditary; Hereditary Cancer Syndrome. Identifiers: Orphanet 140162, MedGen C0027672, MeSH D009386, MONDO:0015356.
Hereditary breast ovarian cancer syndrome. Also called: Breast and ovarian cancer; Hereditary breast and/or ovarian cancer syndrome; BRCA1- and BRCA2-Associated Hereditary Breast and Ovarian Cancer; Hereditary breast and ovarian cancer; Hereditary breast and ovarian cancer syndrome; Hereditary breast and ovarian cancer syndrome (HBOC). Identifiers: Orphanet 145, MedGen C0677776, MeSH D061325, MONDO:0003582. Disease mechanism: loss of function.
Acute lymphoid leukemia (ALL). Also called: Lymphoblastic leukemia; Leukemia, acute lymphoblastic, somatic; Acute lymphoblastic leukemia; Acute lymphocytic leukemia. Identifiers: Orphanet 513, MedGen C0023449, MONDO:0004967, OMIM 613065, HP:0006721.
Microcephaly, normal intelligence and immunodeficiency (NBS). Also called: Immunodeficiency, microcephaly with normal intelligence; Ataxia telangiectasia variant V1; IMMUNODEFICIENCY, MICROCEPHALY, AND CHROMOSOMAL INSTABILITY; Microcephaly with normal intelligence immunodeficiency and lymphoreticular malignancies; Nonsyndromal microcephaly autosomal recessive with normal intelligence; Seemanova syndrome 2. Identifiers: Orphanet 647, MedGen C0398791, MONDO:0009623, OMIM 251260.

Allele frequency attached by ClinVar (database versions not stated): ExAC 0.00004; 1000 Genomes Project 30x 0.00016; gnomAD 0.00019; TOPMed 0.00019; 1000 Genomes Project 0.00020; ESP Exome Variant Server 0.00023.
gnomAD v4.1: 76 of 1,614,002 alleles (0.0047%); highest among the groups gnomAD compares: African/African-American, 0.047%; no homozygotes.

Submissions (10):

CeGaT Center for Human Genetics Tuebingen
Classification: Likely benign. Last evaluated: 2026-09-01. Review status: criteria provided, single submitter. Criteria: CeGaT Center For Human Genetics Tuebingen Variant Classification Criteria Version 2. Collection method: clinical testing. Allele origin: germline. Affected: yes. Observed: 2 variant alleles.
Comment: NBN: BP4, BP7

Labcorp Genetics (formerly Invitae), Labcorp
Classification: Likely benign for Microcephaly, normal intelligence and immunodeficiency. Last evaluated: 2025-12-07. Review status: criteria provided, single submitter. Criteria: Invitae Variant Classification Sherloc (09022015). Collection method: clinical testing. Allele origin: germline.

KCCC/NGS Laboratory, Kuwait Cancer Control Center
Classification: Benign for Microcephaly, normal intelligence and immunodeficiency. Last evaluated: 2025-02-01. Review status: criteria provided, single submitter. Criteria: ACMG Guidelines, 2015. Collection method: clinical testing. Allele origin: germline. Affected: no.

KCCC/NGS Laboratory, Kuwait Cancer Control Center
Classification: Benign for Acute lymphoid leukemia. Last evaluated: 2023-07-07. Review status: criteria provided, single submitter. Criteria: ACMG Guidelines, 2015. Collection method: clinical testing. Allele origin: germline. Affected: yes.

Quest Diagnostics Nichols Institute San Juan Capistrano
Classification: Likely benign. Last evaluated: 2022-08-17. Review status: criteria provided, single submitter. Criteria: Quest Diagnostics criteria. Collection method: clinical testing. Allele origin: unknown.

National Health Laboratory Service, Universitas Academic Hospital and University of the Free State
Classification: Likely benign for Hereditary breast ovarian cancer syndrome. Last evaluated: 2022-04-19. Review status: criteria provided, single submitter. Criteria: ACMG Guidelines, 2015. Collection method: clinical testing. Allele origin: germline. Affected: yes. Observed: 1 variant allele.

Sema4
Classification: Likely benign for Hereditary cancer-predisposing syndrome. Last evaluated: 2021-09-16. Review status: criteria provided, single submitter. Criteria: Sema4 Curation Guidelines. Collection method: curation. Allele origin: germline.

Women's Health and Genetics/Laboratory Corporation of America, LabCorp
Classification: Likely benign. Last evaluated: 2019-08-29. Review status: criteria provided, single submitter. Criteria: LabCorp Variant Classification Summary - May 2015. Collection method: clinical testing. Allele origin: germline.

GeneDx
Classification: Benign. Last evaluated: 2015-03-27. Review status: criteria provided, single submitter. Criteria: GeneDx Variant Classification (06012015). Collection method: clinical testing. Allele origin: germline. Affected: yes.
Comment: This variant is considered likely benign or benign based on one or more of the following criteria: it is a conservative change, it occurs at a poorly conserved position in the protein, it is predicted to be benign by multiple in silico algorithms, and/or has population frequency not consistent with disease.

Ambry Genetics
Classification: Likely benign for Hereditary cancer-predisposing syndrome. Last evaluated: 2014-12-19. Review status: criteria provided, single submitter. Criteria: Ambry Variant Classification Scheme 2023. Collection method: clinical testing. Allele origin: germline.

NM_002485.5(NBN):c.804G>A (p.Thr268=)

Gene: NBN (nibrin; minus strand). Cytogenetic location: 8q21.3.
Variant type: single nucleotide variant.
Coding change: c.804G>A on transcript NM_002485.5 (MANE Select); coding-DNA position 804, G replaced by A.
Protein change: p.Thr268=; no amino-acid change (threonine 268 retained).
Molecular consequence: synonymous variant.
Genome position (GRCh38, 1-based): chr8:89,970,456, C>T on the plus strand (G>A on the coding strand, the complement: NBN is on the minus strand). VCF-style: chr8-89970456-C-T. GRCh37 (hg19) VCF-style: chr8-90982684-C-T.
Other names: NP_002476.2:p.Thr268=; c.558G>A, p.Thr186= (NM_001024688.3).
Identifiers: ClinVar variation 183781 (VCV000183781.58), dbSNP rs141443872, ClinGen allele CA186463.